The following is an entry in ClinVar:

NM_015909.4(NBAS):c.1533_1545del (p.Ile512fs)

Gene: NBAS (NBAS subunit of NRZ tethering complex; minus strand). Cytogenetic location: 2p24.3.
Variant type: Deletion.
Coding change: c.1533_1545del on transcript NM_015909.4 (MANE Select); coding-DNA positions 1533 to 1545, 13 bases deleted (CATTACTAAAAAC).
Protein change: p.Ile512fs; shifts the reading frame from isoleucine 512.
Molecular consequence: frameshift variant. On other transcripts: non-coding transcript variant (1).
Genome position (GRCh38, 1-based): chr2:15,474,121-15,474,133, GTTTTTAGTAATG deleted on the plus strand (CATTACTAAAAAC on the coding strand, the reverse complement: NBAS is on the minus strand); deleting any 13 consecutive bases within chr2:15,474,121-15,474,136 gives the same sequence; the c. name uses the placement nearest the transcript's 3' end. VCF-style (leftmost placement, unchanged base first): chr2-15474120-AGTTTTTAGTAATG-A. GRCh37 (hg19) VCF-style: chr2-15614244-AGTTTTTAGTAATG-A.
Other names: c.1533_1545del13 (NM_015909.4); c.1533_1545del (NM_015909.3); short protein forms I512fs.
Identifiers: ClinVar variation 1457999 (VCV001457999.12), dbSNP rs775395168, ClinGen allele CA1536655.

ClinVar aggregate classification (germline): Conflicting classifications of pathogenicity. Review status: criteria provided, conflicting classifications (1 of 4 stars). 4 submissions from 4 submitters: Pathogenic (3); Uncertain significance (1). Last evaluated 2025-09-10.

Conditions:
Short stature-optic atrophy-Pelger-Huët anomaly syndrome. Also called: Short stature-optic atrophy-Pelger-HuC+t anomaly syndrome; Short stature, optic nerve atrophy, and Pelger-Huet anomaly. Identifiers: Orphanet 391677, MedGen C3541319, MONDO:0013889, OMIM 614800.
Infantile liver failure syndrome 2 (ILFS2). Identifiers: MedGen C3809651, MONDO:0014659, OMIM 616483.
Acute infantile liver failure due to synthesis defect of mtDNA-encoded proteins. Also called: LIVER FAILURE, INFANTILE, TRANSIENT; TRMU Deficiency; Liver failure acute infantile. Identifiers: Orphanet 217371, MedGen C3278664, MONDO:0013111, OMIM 613070.

Submissions (4):

Labcorp Genetics (formerly Invitae), Labcorp
Classification: Pathogenic. Last evaluated: 2025-09-10. Review status: criteria provided, single submitter. Criteria: Invitae Variant Classification Sherloc (09022015). Collection method: clinical testing. Allele origin: germline.
Comment: This sequence change creates a premature translational stop signal (p.Ile512Thrfs*4) in the NBAS gene. It is expected to result in an absent or disrupted protein product. Loss-of-function variants in NBAS are known to be pathogenic (PMID: 26073778, 26541327, 27789416, 28031453). This variant is present in population databases (rs775395168, gnomAD 0.01%). This premature translational stop signal has been observed in individual(s) with acute infantile liver failure (PMID: 26073778). ClinVar contains an entry for this variant (Variation ID: 1457999). For these reasons, this variant has been classified as Pathogenic.

GeneDx
Classification: Uncertain significance. Last evaluated: 2024-09-29. Review status: criteria provided, single submitter. Criteria: GeneDx Variant Classification Process June 2021. Collection method: clinical testing. Allele origin: germline. Affected: yes.
Comment: Reported in published literature in an individual with recurrent acute liver failure who also harbored a second NBAS variant on the opposite allele (in trans); however, it is unknown whether this individual was screened for variants in other genes associated with this phenotype (PMID: 26073778, 26541327); Frameshift variant predicted to result in protein truncation or nonsense mediated decay in a gene for which loss of function is a known mechanism of disease; This variant is associated with the following publications: (PMID: 38244286, 31964843, 26541327, 26073778)

Fulgent Genetics
Classification: Pathogenic for Short stature-optic atrophy-Pelger-Huët anomaly syndrome; Infantile liver failure syndrome 2. Last evaluated: 2024-04-23. Review status: criteria provided, single submitter. Criteria: ACMG Guidelines, 2015. Collection method: clinical testing. Allele origin: germline.

Women's Health and Genetics/Laboratory Corporation of America, LabCorp
Classification: Pathogenic for Acute infantile liver failure due to synthesis defect of mtDNA-encoded proteins. Last evaluated: 2024-02-08. Review status: criteria provided, single submitter. Criteria: LabCorp Variant Classification Summary - May 2015. Collection method: clinical testing. Allele origin: germline.
Comment: Variant summary: NBAS c.1533_1545del13 (p.Ile512ThrfsX4) results in a premature termination codon, predicted to cause a truncation of the encoded protein or absence of the protein due to nonsense mediated decay, which are commonly known mechanisms for disease. The variant allele was found at a frequency of 2.8e-05 in 251452 control chromosomes (gnomAD). c.1533_1545del13 has been reported in the literature in individuals affected with Liver Failure Acute Infantile, Type 2 (Haack_2015). These data indicate that the variant is very likely to be associated with disease. To our knowledge, no experimental evidence demonstrating an impact on protein function has been reported. The following publications have been ascertained in the context of this evaluation (PMID: 26073778, 31964843). ClinVar contains an entry for this variant (Variation ID: 1457999). Based on the evidence outlined above, the variant was classified as pathogenic.

Literature cited by the submitters: PubMed 26073778 (cited by Labcorp Genetics (formerly Invitae), Labcorp and Women's Health and Genetics/Laboratory Corporation of America, LabCorp); PubMed 26541327 (cited by Labcorp Genetics (formerly Invitae), Labcorp); PubMed 27789416 (cited by Labcorp Genetics (formerly Invitae), Labcorp); PubMed 28031453 (cited by Labcorp Genetics (formerly Invitae), Labcorp); PubMed 31964843 (cited by Women's Health and Genetics/Laboratory Corporation of America, LabCorp).